The following is an entry in ClinVar:

NM_002979.5(SCP2):c.134A>G (p.Lys45Arg)

Gene: SCP2 (sterol carrier protein 2; plus strand). Cytogenetic location: 1p32.3.
Variant type: single nucleotide variant.
Coding change: c.134A>G on transcript NM_002979.5 (MANE Select); coding-DNA position 134, A replaced by G.
Protein change: p.Lys45Arg; replaces lysine 45 with arginine.
Molecular consequence: missense variant. On other transcripts: 5 prime UTR variant (1), intron variant (1).
Genome position (GRCh38, 1-based): chr1:52,948,015, A>G. VCF-style: chr1-52948015-A-G. GRCh37 (hg19) VCF-style: chr1-53413687-A-G.
Other names: c.134A>G, p.Lys45Arg (NM_001007098.3, NM_001193600.2, NM_001330587.2); c.-110A>G (NM_001193617.2); c.128-2740A>G (NM_001193599.2); short protein forms K45R.
Identifiers: ClinVar variation 1505209 (VCV001505209.5), dbSNP rs771234357, ClinGen allele CA857027.
Genomic context (GRCh38, chr1:52,948,015, plus strand): 5'-CTCCTAAAACAAATACTTAAAGCACTTTTTGATAAAAACCTTTCGTTTTTATAGGCAAGA[A>G]GGCTTTAGCTGATGCACAGATCCCTTATTCAGCAGTGGACCAGGCATGTGTTGGCTATGT-3'
Protein context (NP_002970.2, residues 35-55): YPDLAEEAGK[Lys45Arg]ALADAQIPYS

ClinVar aggregate classification (germline): Uncertain significance (1 of 4 stars; one submission).

Allele frequency attached by ClinVar (database versions not stated): ExAC 0.00001; gnomAD exomes 0.00001.
gnomAD v4.1: 12 of 1,611,560 alleles (0.00074%); highest among the groups gnomAD compares: Middle Eastern, 0.017%; no homozygotes.

Submission:

Labcorp Genetics (formerly Invitae), Labcorp
Classification: Uncertain significance. Last evaluated: 2022-02-02. Review status: criteria provided, single submitter. Criteria: Invitae Variant Classification Sherloc (09022015). Collection method: clinical testing. Allele origin: germline.
Comment: This sequence change replaces lysine, which is basic and polar, with arginine, which is basic and polar, at codon 45 of the SCP2 protein (p.Lys45Arg). This variant is present in population databases (rs771234357, gnomAD 0.002%). This variant has not been reported in the literature in individuals affected with SCP2-related conditions. Algorithms developed to predict the effect of missense changes on protein structure and function are either unavailable or do not agree on the potential impact of this missense change (SIFT: "Tolerated"; PolyPhen-2: "Probably Damaging"; Align-GVGD: "Class C0"). In summary, the available evidence is currently insufficient to determine the role of this variant in disease. Therefore, it has been classified as a Variant of Uncertain Significance.